The following is an entry in ClinVar:

ClinVar aggregate classification (germline): Uncertain significance. Review status: criteria provided, multiple submitters, no conflicts (2 of 4 stars). 2 submissions from 2 submitters: Uncertain significance (2). Last evaluated 2026-01-05.

Conditions:
Pitt-Hopkins-like syndrome 2 (PTHSL2). Identifiers: Orphanet 221150, Orphanet 600663, MedGen C3280479, MONDO:0013690, OMIM 614325.

Allele frequency attached by ClinVar (database versions not stated): gnomAD exomes below 0.00001; ExAC 0.00001; gnomAD 0.00001.
gnomAD v4.1: 1 of 1,613,790 alleles (0.000062%); highest among the groups gnomAD compares: South Asian, 0.0011%; no homozygotes.

Submissions (2):

Labcorp Genetics (formerly Invitae), Labcorp
Classification: Uncertain significance for Pitt-Hopkins-like syndrome 2. Last evaluated: 2026-01-05. Review status: criteria provided, single submitter. Criteria: Invitae Variant Classification Sherloc (09022015). Collection method: clinical testing. Allele origin: germline.
Comment: This sequence change replaces alanine, which is neutral and non-polar, with valine, which is neutral and non-polar, at codon 605 of the NRXN1 protein (p.Ala605Val). This variant is present in population databases (rs748323995, gnomAD 0.003%). This variant has not been reported in the literature in individuals affected with NRXN1-related conditions. ClinVar contains an entry for this variant (Variation ID: 999295). An algorithm developed to predict the effect of missense changes on protein structure and function (PolyPhen-2) suggests that this variant is likely to be tolerated. In summary, the available evidence is currently insufficient to determine the role of this variant in disease. Therefore, it has been classified as a Variant of Uncertain Significance.

Blueprint Genetics
Classification: Uncertain significance. Last evaluated: 2023-09-06. Review status: criteria provided, single submitter. Criteria: ACMG Guidelines, 2015. Collection method: clinical testing. Allele origin: germline.

NM_001330078.2(NRXN1):c.1694C>T (p.Ala565Val)

Gene: NRXN1 (neurexin 1; minus strand). Cytogenetic location: 2p16.3.
Variant type: single nucleotide variant.
Coding change: c.1694C>T on transcript NM_001330078.2 (MANE Select); coding-DNA position 1694, C replaced by T.
Protein change: p.Ala565Val; replaces alanine 565 with valine.
Molecular consequence: missense variant.
Genome position (GRCh38, 1-based): chr2:50,552,652, G>A on the plus strand (C>T on the coding strand, the complement: NRXN1 is on the minus strand). VCF-style: chr2-50552652-G-A. GRCh37 (hg19) VCF-style: chr2-50779790-G-A.
Other names: c.1814C>T, p.Ala605Val (NM_001135659.3); c.1670C>T, p.Ala557Val (NM_001330077.2, NM_001330082.2, NM_001330095.2); c.1655C>T, p.Ala552Val (NM_001330083.2, NM_001330084.2); c.1694C>T, p.Ala565Val (NM_001330085.2, NM_001330086.2, NM_004801.6); c.1610C>T, p.Ala537Val (NM_001330087.2, NM_001330096.2); c.1640C>T, p.Ala547Val (NM_001330088.2); c.1691C>T, p.Ala564Val (NM_001330093.2); c.1682C>T, p.Ala561Val (NM_001330094.2); short protein forms A537V, A547V, A552V, A557V, A561V, A564V, A565V, A605V.
Identifiers: ClinVar variation 999295 (VCV000999295.10), dbSNP rs748323995, ClinGen allele CA1655002.
Genomic context (GRCh38, chr2:50,552,652, plus strand): 5'-CGTCCGTCTCTCTGGAAGTCCACATGATACCATTCTCCATCATTCACTTTCTTCAACAGG[G>A]CTTTTATTTTTATAGTACCTGACCCCATGTCCAGGAGGAGGTAGAGGTGGCCATCTAGCA-3'
Protein context (NP_001317007.1, residues 555-575): DMGSGTIKIK[Ala565Val]LLKKVNDGEW